The following is an entry in ClinVar:

ClinVar aggregate classification (germline): Uncertain significance (1 of 4 stars; one submission).

Conditions:
Primary ciliary dyskinesia. Also called: Ciliary dyskinesia. Identifiers: Orphanet 244, MedGen C0008780, MONDO:0016575, HP:0012265.

gnomAD v4.1: 2 of 1,614,244 alleles (0.00012%); highest among the groups gnomAD compares: Non-Finnish European, 0.00017%; no homozygotes.

Submission:

Ambry Genetics
Classification: Uncertain significance for Primary ciliary dyskinesia. Last evaluated: 2025-07-21. Review status: criteria provided, single submitter. Criteria: Ambry Variant Classification Scheme 2023. Collection method: clinical testing. Allele origin: germline.
Comment: The p.L771V variant (also known as c.2311C>G), located in coding exon 12 of the DNAAF5 gene, results from a C to G substitution at nucleotide position 2311. The leucine at codon 771 is replaced by valine, an amino acid with highly similar properties. This amino acid position is conserved. In addition, this alteration is predicted to be tolerated by in silico analysis. Based on the available evidence, the clinical significance of this variant remains unclear.

NM_017802.4(DNAAF5):c.2311C>G (p.Leu771Val)

Gene: DNAAF5 (dynein axonemal assembly factor 5; plus strand). Cytogenetic location: 7p22.3.
Variant type: single nucleotide variant.
Coding change: c.2311C>G on transcript NM_017802.4 (MANE Select); coding-DNA position 2311, C replaced by G.
Protein change: p.Leu771Val; replaces leucine 771 with valine.
Molecular consequence: missense variant. On other transcripts: non-coding transcript variant (1).
Genome position (GRCh38, 1-based): chr7:780,024, C>G. VCF-style: chr7-780024-C-G. GRCh37 (hg19) VCF-style: chr7-819661-C-G.
Other names: short protein forms L771V.
Identifiers: ClinVar variation 4012532 (VCV004012532.2).
Genomic context (GRCh38, chr7:780,024, plus strand): 5'-CGCCTAGATGACGTGTCCAACGATGTGAGGATGGCAGCCGCCTCCACCTTGGTCACCTGG[C>G]TGCAGTGTGTCAAGGGTGCCAACGCAAAATCCTACTATCAGAGCAGTGTCCAGTACCTGT-3'
Protein context (NP_060272.3, residues 761-781): MAAASTLVTW[Leu771Val]QCVKGANAKS